The following is an entry in ClinVar:

NM_174936.4(PCSK9):c.524A>T (p.Asp175Val)

Gene: PCSK9 (proprotein convertase subtilisin/kexin type 9; plus strand). Cytogenetic location: 1p32.3.
Variant type: single nucleotide variant.
Coding change: c.524A>T on transcript NM_174936.4 (MANE Select); coding-DNA position 524, A replaced by T.
Protein change: p.Asp175Val; replaces aspartic acid 175 with valine.
Molecular consequence: missense variant. On other transcripts: non-coding transcript variant (8).
Genome position (GRCh38, 1-based): chr1:55,052,278, A>T. VCF-style: chr1-55052278-A-T. GRCh37 (hg19) VCF-style: chr1-55517951-A-T.
Other names: c.647A>T, p.Asp216Val (NM_001407240.1); c.524A>T, p.Asp175Val (NM_001407241.1, NM_001407242.1, NM_001407244.1 and 1 more transcripts); c.467A>T, p.Asp156Val (NM_001407243.1); c.332A>T, p.Asp111Val (NM_001407245.1); c.149A>T, p.Asp50Val (NM_001407246.1); short protein forms D111V, D156V, D175V, D216V, D50V.
Identifiers: ClinVar variation 3075301 (VCV003075301.2), dbSNP rs1644679818, ClinGen allele CA340471132.

ClinVar aggregate classification (germline): Uncertain significance. Review status: criteria provided, multiple submitters, no conflicts (2 of 4 stars). 2 submissions from 2 submitters: Uncertain significance (2). Last evaluated 2025-05-08.

Conditions:
Hypercholesterolemia, autosomal dominant, 3 (FHCL3). Also called: Familial Hypercholesterolemia, Autosomal Dominant, 3; PCSK9-Related Familial Hypercholesterolemia, Autosomal Dominant; Familial hypercholesterolemia 3. Identifiers: MedGen C1863551, MONDO:0011369, OMIM 603776.
Cardiovascular phenotype. Identifiers: MedGen CN230736.

Submissions (2):

Ambry Genetics
Classification: Uncertain significance for Cardiovascular phenotype. Last evaluated: 2025-05-08. Review status: criteria provided, single submitter. Criteria: Ambry Variant Classification Scheme 2023. Collection method: clinical testing. Allele origin: germline.
Comment: The p.D175V variant (also known as c.524A>T) is located in coding exon 4 of the PCSK9 gene. The aspartic acid at codon 175 is replaced by valine, an amino acid with highly dissimilar properties. This change occurs in the first base pair of coding exon 4. This amino acid position is conserved. In addition, this alteration is predicted to be tolerated by in silico analysis. Based on the available evidence, the clinical significance of this variant remains unclear.

All of Us Research Program, National Institutes of Health
Classification: Uncertain significance for Hypercholesterolemia, autosomal dominant, 3. Last evaluated: 2024-01-03. Review status: criteria provided, single submitter. Criteria: ACMG Guidelines, 2015. Collection method: clinical testing. Allele origin: germline. Inheritance: Autosomal dominant inheritance. Observed: 1 variant allele, 1 heterozygote.
Comment: This missense variant replaces aspartic acid with valine at codon 175 of the PCSK9 protein. Computational prediction suggests that this variant may not impact protein structure and function (internally defined REVEL score threshold <= 0.5, PMID: 27666373). To our knowledge, functional studies have not been reported for this variant. This variant has not been reported in individuals affected with PCSK9-related disorders in the literature. This variant has not been identified in the general population by the Genome Aggregation Database (gnomAD). The available evidence is insufficient to determine the role of this variant in disease conclusively. Therefore, this variant is classified as a Variant of Uncertain Significance.

This study involves interpretation of variants in research participants for the purpose of population health screening. Participant phenotype was not available at the time of variant classification. Additional details can be found in publication PMID: 35346344, PMCID: PMC8962531